The following is an entry in ClinVar:

NM_000038.6(APC):c.1907dup (p.Gly637fs)

Gene: APC (APC regulator of Wnt signaling pathway; plus strand). Cytogenetic location: 5q22.2.
Variant type: Duplication.
Coding change: c.1907dup on transcript NM_000038.6 (MANE Select); coding-DNA position 1907, one base duplicated (G; older notation c.1907dupG).
Protein change: p.Gly637fs; shifts the reading frame from glycine 637.
Molecular consequence: frameshift variant. On other transcripts: non-coding transcript variant (2).
Genome position (GRCh38, 1-based): chr5:112,835,114, G duplicated; the last of 2 consecutive G bases (chr5:112,835,113-112,835,114); duplicating either gives the same sequence. VCF-style (leftmost placement, unchanged base first): chr5-112835112-A-AG. GRCh37 (hg19) VCF-style: chr5-112170809-A-AG.
Other names: c.1907dup, p.Gly637fs (NM_001127510.3, NM_001354895.2, NM_001407450.1); c.1853dup, p.Gly619fs (NM_001127511.3); c.1961dup, p.Gly655fs (NM_001354896.2, NM_001407447.1, NM_001407448.1 and 1 more transcripts); c.1937dup, p.Gly647fs (NM_001354897.2); c.1832dup, p.Gly612fs (NM_001354898.2); c.1823dup, p.Gly609fs (NM_001354899.2); c.1784dup, p.Gly596fs (NM_001354900.2); c.1730dup, p.Gly578fs (NM_001354901.2, NM_001407453.1); and 11 more; short protein forms G253fs, G354fs, G477fs, G508fs, G511fs, G536fs, G546fs, G554fs.
Identifiers: ClinVar variation 2584001 (VCV002584001.1), dbSNP rs2533341848, ClinGen allele CA658760620.

ClinVar aggregate classification (germline): Pathogenic (1 of 4 stars; one submission).

Conditions:
Familial adenomatous polyposis 1 (FAP1). Also called: FAMILIAL ADENOMATOUS POLYPOSIS 1, ATTENUATED; POLYPOSIS, ADENOMATOUS INTESTINAL. Identifiers: MedGen C2713442, MONDO:0021056, OMIM 175100. Disease mechanism: loss of function.

Submission:

Myriad Genetics, Inc.
Classification: Pathogenic for Familial adenomatous polyposis 1. Last evaluated: 2023-05-03. Review status: criteria provided, single submitter. Criteria: Myriad Autosomal Dominant, Autosomal Recessive and X-Linked Classification Criteria (2023). Collection method: clinical testing. Allele origin: unknown.
Comment: This variant is considered pathogenic. This variant creates a frameshift predicted to result in premature protein truncation.